The following is an entry in ClinVar:

NM_000122.2(ERCC3):c.620C>G (p.Thr207Ser)

Gene: ERCC3 (ERCC excision repair 3, TFIIH core complex helicase subunit; minus strand). Cytogenetic location: 2q14.3.
Variant type: single nucleotide variant.
Coding change: c.620C>G on transcript NM_000122.2 (MANE Select); coding-DNA position 620, C replaced by G.
Protein change: p.Thr207Ser; replaces threonine 207 with serine.
Molecular consequence: missense variant.
Genome position (GRCh38, 1-based): chr2:127,289,726, G>C on the plus strand (C>G on the coding strand, the complement: ERCC3 is on the minus strand). VCF-style: chr2-127289726-G-C. GRCh37 (hg19) VCF-style: chr2-128047302-G-C.
Other names: c.428C>G, p.Thr143Ser (NM_001303416.2, NM_001303418.2); short protein forms T143S, T207S.
Identifiers: ClinVar variation 1948386 (VCV001948386.4), dbSNP rs368953792, ClinGen allele CA1858496.
Genomic context (GRCh38, chr2:127,289,726, plus strand): 5'-GGGTGGCCCAGGAGTCCACATACGGCAGATTTGCTTGTGAAAGTCTCTGTGATGAGCTCA[G>C]TGGCCTCCCCTTCAGAGTTTCTTAAGCGGCATTCTCGGATCACGGGGTCCTGGAGAAGAT-3'
Protein context (NP_000113.1, residues 197-217): CRLRNSEGEA[Thr207Ser]ELITETFTSK

ClinVar aggregate classification (germline): Uncertain significance (1 of 4 stars; one submission).

Allele frequency attached by ClinVar (database versions not stated): gnomAD 0.00001; TOPMed 0.00001; ExAC 0.00002; ESP Exome Variant Server 0.00008.
gnomAD v4.1: 10 of 1,614,088 alleles (0.00062%); highest among the groups gnomAD compares: Non-Finnish European, 0.00085%; no homozygotes.

Submission:

Labcorp Genetics (formerly Invitae), Labcorp
Classification: Uncertain significance. Last evaluated: 2022-08-12. Review status: criteria provided, single submitter. Criteria: Invitae Variant Classification Sherloc (09022015). Collection method: clinical testing. Allele origin: germline.
Comment: Algorithms developed to predict the effect of missense changes on protein structure and function (SIFT, PolyPhen-2, Align-GVGD) all suggest that this variant is likely to be tolerated. In summary, the available evidence is currently insufficient to determine the role of this variant in disease. Therefore, it has been classified as a Variant of Uncertain Significance. This sequence change replaces threonine, which is neutral and polar, with serine, which is neutral and polar, at codon 207 of the ERCC3 protein (p.Thr207Ser). This variant is present in population databases (rs368953792, gnomAD 0.003%). This variant has not been reported in the literature in individuals affected with ERCC3-related conditions.